The following is an entry in ClinVar:

ClinVar aggregate classification (germline): Uncertain significance (1 of 4 stars; one submission).

Submission:

ISCA site 14
Classification: Uncertain significance. Last evaluated: 2011-08-12. Review status: criteria provided, single submitter. Criteria: Kaminsky et al. (Genet Med. 2011). Collection method: clinical testing. Allele origin: unknown. Affected: yes. Observed: 1 variant allele.
Comment: Copy number variation identified through the course of routine clinical cytogenomic testing in postnatal populations. Clinical assertions have been curated as described in Kaminsky et al. 2011.

GRCh38/hg38 4p14(chr4:38015168-38397834)x3

Genes: LINC02513 (long independently transcribed non-coding RNA 2513; plus strand), TBC1D1 (TBC1 domain family member 1; plus strand), TBC1D1-AS1 (TBC1D1 antisense RNA 1; minus strand), LOC105374409 (uncharacterized LOC105374409; plus strand), LOC111721707 (skeletal muscle cis-regulatory module in TBC1D1 intron; plus strand) and 24 more. Cytogenetic location: 4p14.
Variant type: copy number gain.
Change: copy number 3 (three copies instead of two) of chr4:38,015,168-38,397,834 (382.7 kb, GRCh38 coordinates, 1-based), cytogenetic band 4p14.
Identifiers: ClinVar variation 57856 (VCV000057856.1).